The following is an entry in ClinVar:

NM_001033561.2(PHF12):c.2589G>A (p.Thr863=)

Gene: PHF12 (PHD finger protein 12; minus strand). Cytogenetic location: 17q11.2.
Variant type: single nucleotide variant.
Coding change: c.2589G>A on transcript NM_001033561.2 (MANE Select); coding-DNA position 2589, G replaced by A.
Protein change: p.Thr863=; no amino-acid change (threonine 863 retained).
Molecular consequence: synonymous variant. On other transcripts: 3 prime UTR variant (1).
Genome position (GRCh38, 1-based): chr17:28,906,947, C>T on the plus strand (G>A on the coding strand, the complement: PHF12 is on the minus strand). VCF-style: chr17-28906947-C-T. GRCh37 (hg19) VCF-style: chr17-27233965-C-T.
Other names: c.*3088G>A (NM_001290131.2).
Identifiers: ClinVar variation 2647605 (VCV002647605.24), dbSNP rs2545202957, ClinGen allele CA499129745.
Genomic context (GRCh38, chr17:28,906,947, plus strand): 5'-GCTTGGGGGGGTTGGCGGGGTCTTCTCCGAGAAGTCACATGAATACAGCACATTGTCCAC[C>T]GTTGTCCCATGCTCACTGTAGTTTAACAGCTCATAATGTTTGGTATTCTGAGGAGGAGGA-3'
Protein context (NP_001028733.1, residues 853-873): ELLNYSEHGT[Thr863=]VDNVLYSCDF

ClinVar aggregate classification (germline): Likely benign (1 of 4 stars; one submission).

Submission:

CeGaT Center for Human Genetics Tuebingen
Classification: Likely benign. Last evaluated: 2022-03-01. Review status: criteria provided, single submitter. Criteria: CeGaT Center For Human Genetics Tuebingen Variant Classification Criteria Version 2. Collection method: clinical testing. Allele origin: germline. Affected: yes. Observed: 1 variant allele.
Comment: PHF12: PM2:Supporting, BP4, BP7